The following is an entry in ClinVar:

ClinVar aggregate classification (germline): Conflicting classifications of pathogenicity. Review status: criteria provided, conflicting classifications (1 of 4 stars). 4 submissions from 4 submitters: Uncertain significance (1); Benign (2); Likely benign (1). Last evaluated 2026-01-27.

Conditions:
Pseudohypoaldosteronism type 2C (PHA2C). Also called: Pseudohypoaldosteronism Type IIC. Identifiers: Orphanet 757, Orphanet 88940, MedGen C1840391, MONDO:0013778, OMIM 614492.
Neuropathy, hereditary sensory and autonomic, type 2A (HSAN2A). Also called: MORVAN DISEASE; NEUROPATHY, CONGENITAL SENSORY; NEUROPATHY, HEREDITARY SENSORY RADICULAR, AUTOSOMAL RECESSIVE; NEUROPATHY, HEREDITARY SENSORY, TYPE IIA; NEUROPATHY, PROGRESSIVE SENSORY, OF CHILDREN; ACROOSTEOLYSIS, GIACCAI TYPE. Identifiers: Orphanet 970, MedGen C2752089, MONDO:0024309, OMIM 201300.

Allele frequency attached by ClinVar (database versions not stated): gnomAD 0.00021 and 0.00031; TOPMed 0.00031; ExAC 0.00080; 1000 Genomes Project 30x 0.00203; 1000 Genomes Project 0.00240.
gnomAD v4.1: 613 of 1,614,162 alleles (0.038%); highest among the groups gnomAD compares: East Asian, 1.3%; 3 homozygotes.

Submissions (4):

Labcorp Genetics (formerly Invitae), Labcorp
Classification: Benign for Neuropathy, hereditary sensory and autonomic, type 2A; Pseudohypoaldosteronism type 2C. Last evaluated: 2026-01-27. Review status: criteria provided, single submitter. Criteria: Invitae Variant Classification Sherloc (09022015). Collection method: clinical testing. Allele origin: germline.

Blueprint Genetics
Classification: Likely benign. Last evaluated: 2024-05-08. Review status: criteria provided, single submitter. Criteria: ACMG Guidelines, 2015. Collection method: clinical testing. Allele origin: germline.

ARUP Laboratories, Molecular Genetics and Genomics, ARUP Laboratories
Classification: Uncertain significance. Last evaluated: 2019-07-25. Review status: criteria provided, single submitter. Criteria: ARUP Molecular Germline Variant Investigation Process. Collection method: clinical testing. Allele origin: germline.
Comment: The WNK1 c.6589C>T; p.Arg2197Cys variant (rs117016551), to our knowledge, has not been reported in the medical literature; however, this variant is listed in the ClinVar database (Variation ID: 306611). This variant is found in the general population with an allele frequency in East Asian populations of 0.95% (190/19,950 alleles) in the Genome Aggregation Database. The arginine at codon 2197 is moderately conserved (Alamut v.2.11) and computational analyses (SIFT, PolyPhen-2) predict that this variant is deleterious. Based on the available information, the clinical significance of this variant is uncertain.

Illumina Laboratory Services, Illumina
Classification: Benign for Pseudohypoaldosteronism type 2C. Last evaluated: 2018-01-13. Review status: criteria provided, single submitter. Criteria: ICSL Variant Classification Criteria 13 December 2019. Collection method: clinical testing. Allele origin: germline.
Comment: This variant was observed in the ICSL laboratory as part of a predisposition screen in an ostensibly healthy population. It had not been previously curated by ICSL or reported in the Human Gene Mutation Database (HGMD: prior to June 1st, 2018), and was therefore a candidate for classification through an automated scoring system. Utilizing variant allele frequency, disease prevalence and penetrance estimates, and inheritance mode, an automated score was calculated to assess if this variant is too frequent to cause the disease. Based on the score and internal cut-off values, a variant classified as benign is not then subjected to further curation. The score for this variant resulted in a classification of benign for this disease.

NM_018979.4(WNK1):c.5833C>T (p.Arg1945Cys)

Gene: WNK1 (WNK lysine deficient protein kinase 1; plus strand). Cytogenetic location: 12p13.33.
Variant type: single nucleotide variant.
Coding change: c.5833C>T on transcript NM_018979.4 (MANE Select); coding-DNA position 5833, C replaced by T.
Protein change: p.Arg1945Cys; replaces arginine 1945 with cysteine.
Molecular consequence: missense variant.
Genome position (GRCh38, 1-based): chr12:896,320, C>T. VCF-style: chr12-896320-C-T. GRCh37 (hg19) VCF-style: chr12-1005486-C-T.
Other names: c.6613C>T, p.Arg2205Cys (NM_001184985.2); c.5089C>T, p.Arg1697Cys (NM_014823.3); c.6589C>T, p.Arg2197Cys (NM_213655.5); short protein forms R2197C, R1945C, R2205C, R1697C.
Identifiers: ClinVar variation 306611 (VCV000306611.23), dbSNP rs117016551, ClinGen allele CA6383290.
Genomic context (GRCh38, chr12:896,320, plus strand): 5'-GCCCACAAAACTACTGCCTCAGAGGCAAAGTCAGACACTGGGCAGCCTACCAAGGTTGGA[C>T]GTTTTCAGGTGACAACTACAGCAAACAAAGTGGGTCGTTTCTCTGTATCAAAAACTGAGG-3'
Protein context (NP_061852.3, residues 1935-1955): SDTGQPTKVG[Arg1945Cys]FQVTTTANKV